The following is an entry in ClinVar:

ClinVar aggregate classification (germline): Uncertain significance (1 of 4 stars; one submission).

Submission:

Labcorp Genetics (formerly Invitae), Labcorp
Classification: Uncertain significance. Last evaluated: 2025-01-17. Review status: criteria provided, single submitter. Criteria: Invitae Variant Classification Sherloc (09022015). Collection method: clinical testing. Allele origin: germline.
Comment: This sequence change replaces glycine, which is neutral and non-polar, with alanine, which is neutral and non-polar, at codon 203 of the SETBP1 protein (p.Gly203Ala). This variant is not present in population databases (gnomAD no frequency). This variant has not been reported in the literature in individuals affected with SETBP1-related conditions. Invitae Evidence Modeling of protein sequence and biophysical properties (such as structural, functional, and spatial information, amino acid conservation, physicochemical variation, residue mobility, and thermodynamic stability) indicates that this missense variant is not expected to disrupt SETBP1 protein function with a negative predictive value of 80%. In summary, the available evidence is currently insufficient to determine the role of this variant in disease. Therefore, it has been classified as a Variant of Uncertain Significance.

NM_015559.3(SETBP1):c.608G>C (p.Gly203Ala)

Gene: SETBP1 (SET binding protein 1; plus strand). Cytogenetic location: 18q12.3.
Variant type: single nucleotide variant.
Coding change: c.608G>C on transcript NM_015559.3 (MANE Select); coding-DNA position 608, G replaced by C.
Protein change: p.Gly203Ala; replaces glycine 203 with alanine.
Molecular consequence: missense variant.
Genome position (GRCh38, 1-based): chr18:44,949,948, G>C. VCF-style: chr18-44949948-G-C. GRCh37 (hg19) VCF-style: chr18-42529913-G-C.
Other names: c.608G>C, p.Gly203Ala (NM_001379141.1, NM_001379142.1, NM_001410862.1); short protein forms G203A.
Identifiers: ClinVar variation 3722406 (VCV003722406.2).